The following is an entry in ClinVar:

ClinVar aggregate classification (germline): Uncertain significance (1 of 4 stars; one submission).

Submission:

Labcorp Genetics (formerly Invitae), Labcorp
Classification: Uncertain significance. Last evaluated: 2022-06-08. Review status: criteria provided, single submitter. Criteria: Invitae Variant Classification Sherloc (09022015). Collection method: clinical testing. Allele origin: germline.
Comment: This sequence change replaces serine, which is neutral and polar, with threonine, which is neutral and polar, at codon 617 of the SETD5 protein (p.Ser617Thr). This variant is not present in population databases (gnomAD no frequency). This variant has not been reported in the literature in individuals affected with SETD5-related conditions. Algorithms developed to predict the effect of missense changes on protein structure and function (SIFT, PolyPhen-2, Align-GVGD) all suggest that this variant is likely to be disruptive. In summary, the available evidence is currently insufficient to determine the role of this variant in disease. Therefore, it has been classified as a Variant of Uncertain Significance.

NM_001080517.3(SETD5):c.1850G>C (p.Ser617Thr)

Gene: SETD5 (SET domain containing 5; plus strand). Cytogenetic location: 3p25.3.
Variant type: single nucleotide variant.
Coding change: c.1850G>C on transcript NM_001080517.3 (MANE Select); coding-DNA position 1850, G replaced by C.
Protein change: p.Ser617Thr; replaces serine 617 with threonine.
Molecular consequence: missense variant.
Genome position (GRCh38, 1-based): chr3:9,447,753, G>C. VCF-style: chr3-9447753-G-C. GRCh37 (hg19) VCF-style: chr3-9489437-G-C.
Other names: c.1556G>C, p.Ser519Thr (NM_001292043.2, NM_001349451.2); short protein forms S519T, S617T.
Identifiers: ClinVar variation 2129149 (VCV002129149.4), dbSNP rs758861145, ClinGen allele CA351697153.